The following is an entry in ClinVar:

NM_000368.5(TSC1):c.*2109C>T

Gene: TSC1 (TSC complex subunit 1; minus strand). Cytogenetic location: 9q34.13.
Variant type: single nucleotide variant.
Coding change: c.*2109C>T on transcript NM_000368.5 (MANE Select); 2109 bases downstream of the stop codon, C replaced by T.
Molecular consequence: 3 prime UTR variant.
Genome position (GRCh38, 1-based): chr9:132,894,126, G>A on the plus strand (C>T on the coding strand, the complement: TSC1 is on the minus strand). VCF-style: chr9-132894126-G-A. GRCh37 (hg19) VCF-style: chr9-135769513-G-A.
Other names: c.*2109C>T (NM_001162426.2, NM_001162427.2, NM_001362177.2).
Identifiers: ClinVar variation 365461 (VCV000365461.36), dbSNP rs73552808, ClinGen allele CA10626699.
Genomic context (GRCh38, chr9:132,894,126, plus strand): 5'-GGAGCCACATTTGTTATAAAGCTGAGTAAAAGGACACCCAGGCCGCATGGATGAGCTGAG[G>A]ACCCTGTGCAGACACGTCCATGGAGCTTCTAGCACAGGCCTCTCTCCATGCTGCCTCCTT-3'

ClinVar aggregate classification (germline): Benign/Likely benign. Review status: criteria provided, multiple submitters, no conflicts (2 of 4 stars). 3 submissions from 2 submitters: Benign (1); Likely benign (2). Last evaluated 2023-06-01.

Conditions:
Tuberous sclerosis 1 (TSC1). Identifiers: Orphanet 805, MedGen C1854465, MONDO:0008612, OMIM 191100.
Isolated focal cortical dysplasia type II (FCORD2). Also called: Focal cortical dysplasia type II; CORTICAL DYSPLASIA OF TAYLOR. Identifiers: Orphanet 268994, MedGen C1846385, MONDO:0011818, OMIM 607341, HP:0032051.

Allele frequency attached by ClinVar (database versions not stated): gnomAD exomes 0.00072; gnomAD 0.00188 and 0.00200; 1000 Genomes Project 0.00200; 1000 Genomes Project 30x 0.00203; TOPMed 0.00204.
gnomAD v4.1: 345 of 233,594 alleles (0.15%); highest among the groups gnomAD compares: African/African-American, 0.57%; no homozygotes.

Submissions (3):

CeGaT Center for Human Genetics Tuebingen
Classification: Likely benign. Last evaluated: 2023-06-01. Review status: criteria provided, single submitter. Criteria: CeGaT Center For Human Genetics Tuebingen Variant Classification Criteria Version 2. Collection method: clinical testing. Allele origin: germline. Affected: yes. Observed: 7 variant alleles.
Comment: TSC1: BS1

Illumina Laboratory Services, Illumina
Classification: Benign for Isolated focal cortical dysplasia type II. Last evaluated: 2018-01-13. Review status: criteria provided, single submitter. Criteria: ICSL Variant Classification Criteria 13 December 2019. Collection method: clinical testing. Allele origin: germline.
Comment: This variant was observed in the ICSL laboratory as part of a predisposition screen in an ostensibly healthy population. It had not been previously curated by ICSL or reported in the Human Gene Mutation Database (HGMD: prior to June 1st, 2018), and was therefore a candidate for classification through an automated scoring system. Utilizing variant allele frequency, disease prevalence and penetrance estimates, and inheritance mode, an automated score was calculated to assess if this variant is too frequent to cause the disease. Based on the score and internal cut-off values, a variant classified as benign is not then subjected to further curation. The score for this variant resulted in a classification of benign for this disease.

Illumina Laboratory Services, Illumina
Classification: Likely benign for Tuberous sclerosis 1. Last evaluated: 2018-01-13. Review status: criteria provided, single submitter. Criteria: ICSL Variant Classification Criteria 13 December 2019. Collection method: clinical testing. Allele origin: germline.
Comment: This variant was observed in the ICSL laboratory as part of a predisposition screen in an ostensibly healthy population. It had not been previously curated by ICSL or reported in the Human Gene Mutation Database (HGMD: prior to June 1st, 2018), and was therefore a candidate for classification through an automated scoring system. Utilizing variant allele frequency, disease prevalence and penetrance estimates, and inheritance mode, an automated score was calculated to assess if this variant is too frequent to cause the disease. Based on the score and internal cut-off values, a variant classified as likely benign is not then subjected to further curation. The score for this variant resulted in a classification of likely benign for this disease.